The following is an entry in ClinVar:

ClinVar aggregate classification (germline): Pathogenic. Review status: criteria provided, single submitter (1 of 4 stars). 2 submissions from 2 submitters: Pathogenic (1). 1 of the submissions does not count toward it. Last evaluated 2022-10-07.

Conditions:
CYP11B1-related disorder. Also called: CYP11B1-related condition.
Deficiency of steroid 11-beta-monooxygenase (CYP11B1). Also called: 11-BETA-HYDROXYLASE DEFICIENCY; ADRENAL HYPERPLASIA, CONGENITAL, DUE TO STEROID 11-BETA-HYDROXYLASE DEFICIENCY; P450C11B1 DEFICIENCY; STEROID 11-BETA-HYDROXYLASE DEFICIENCY; ADRENAL HYPERPLASIA IV; Congenital adrenal hyperplasia due to 11-beta-hydroxylase deficiency. Identifiers: Orphanet 90795, MedGen C0268292, MONDO:0008729, OMIM 202010. Disease mechanism: loss of function.

Submissions (2):

PreventionGenetics, part of Exact Sciences
Classification: Pathogenic for CYP11B1-related condition. Last evaluated: 2022-10-07. Review status: criteria provided, single submitter. Criteria: ACMG Guidelines, 2015. Collection method: clinical testing. Allele origin: germline.
Comment: The CYP11B1 c.1486delC variant is predicted to result in a frameshift and premature protein termination (p.Leu497Serfs*26). To our knowledge, this variant has not been reported in the literature or in a large population database, indicating this variant is rare. Frameshift variants in CYP11B1 resulting in a premature protein termination or a prolonged protein are expected to be pathogenic for autosomal recessive congenital adrenal hyperplasia (CAH) due to 11-beta-hydroxylase deficiency (see prolonged protein example at Karlekar et al. 2021. PubMed ID: 33275286; Yuan et al. 2018. PubMed ID: 30241518). This variant is interpreted as pathogenic.

Counsyl
Classification: Uncertain significance for Deficiency of steroid 11-beta-monooxygenase. Last evaluated: 2017-05-25. Review status: no assertion criteria provided. Collection method: clinical testing. Allele origin: unknown. Not counted in ClinVar's aggregate classification.

NM_000497.4(CYP11B1):c.1486del (p.Leu496fs)

Genes: CYP11B1 (cytochrome P450 family 11 subfamily B member 1; minus strand), LOC106799833 (CYP11B1 recombination region; plus strand). Cytogenetic location: 8q24.3.
Variant type: Deletion.
Coding change: c.1486del on transcript NM_000497.4 (MANE Select); coding-DNA position 1486, one base deleted (C; older notation c.1486delC).
Protein change: p.Leu496fs; shifts the reading frame from leucine 496.
Molecular consequence: frameshift variant.
Genome position (GRCh38, 1-based): chr8:142,874,399, G deleted on the plus strand (C on the coding strand, the reverse complement: CYP11B1 is on the minus strand); the first of 5 consecutive G bases (chr8:142,874,399-142,874,403); deleting any one gives the same sequence. VCF-style (leftmost placement, unchanged base first): chr8-142874398-AG-A. GRCh37 (hg19) VCF-style: chr8-143955814-AG-A.
Other names: c.1486delC (NM_000497.3); c.1288del, p.Leu430fs (NM_001026213.1); short protein forms L496fs, L430fs.
Identifiers: ClinVar variation 552192 (VCV000552192.3), dbSNP rs1554652528, ClinGen allele CA658823247.
Genomic context (GRCh38, chr8:142,874,398, plus strand): 5'-GTGGCCAGGCTGGGACCCTGGGTGCAGAGACGTGATTAGTTGATGGCTCTGAAGGTGAGG[AG>A]GGGGAACATGCTGGGCCTCAATATGAAGCTGTAGACCATCTTTATGTCCTCTTGGGTTAG-3'